The following is an entry in ClinVar:

ClinVar aggregate classification (germline): Conflicting classifications of pathogenicity. Review status: criteria provided, conflicting classifications (1 of 4 stars). 3 submissions from 3 submitters: Uncertain significance (1); Likely benign (2). Last evaluated 2025-05-17.

Conditions:
Epilepsy, familial focal, with variable foci 3 (FFEVF3). Identifiers: MedGen C4310708, MONDO:0014925, OMIM 617118.

Allele frequency attached by ClinVar (database versions not stated): gnomAD exomes 0.00005; ExAC 0.00008; ESP Exome Variant Server 0.00008; gnomAD 0.00009; TOPMed 0.00009.

Submissions (3):

Labcorp Genetics (formerly Invitae), Labcorp
Classification: Uncertain significance for Epilepsy, familial focal, with variable foci 3. Last evaluated: 2025-05-17. Review status: criteria provided, single submitter. Criteria: Invitae Variant Classification Sherloc (09022015). Collection method: clinical testing. Allele origin: germline.
Comment: This sequence change replaces arginine, which is basic and polar, with tryptophan, which is neutral and slightly polar, at codon 433 of the NPRL3 protein (p.Arg433Trp). This variant is present in population databases (rs372094629, gnomAD 0.007%). This variant has not been reported in the literature in individuals affected with NPRL3-related conditions. ClinVar contains an entry for this variant (Variation ID: 1022748). Invitae Evidence Modeling of protein sequence and biophysical properties (such as structural, functional, and spatial information, amino acid conservation, physicochemical variation, residue mobility, and thermodynamic stability) indicates that this missense variant is not expected to disrupt NPRL3 protein function with a negative predictive value of 80%. In summary, the available evidence is currently insufficient to determine the role of this variant in disease. Therefore, it has been classified as a Variant of Uncertain Significance.

Blueprint Genetics
Classification: Likely benign. Last evaluated: 2023-10-03. Review status: criteria provided, single submitter. Criteria: ACMG Guidelines, 2015. Collection method: clinical testing. Allele origin: germline.

GeneDx
Classification: Likely benign. Last evaluated: 2019-12-23. Review status: criteria provided, single submitter. Criteria: GeneDx Variant Classification Process June 2021. Collection method: clinical testing. Allele origin: germline. Affected: yes.

NM_001077350.3(NPRL3):c.1297C>T (p.Arg433Trp)

Genes: HBA-LCR (alpha-globin locus control region; plus strand), NPRL3 (NPR3 like, GATOR1 complex subunit; minus strand). Cytogenetic location: 16p13.3.
Variant type: single nucleotide variant.
Coding change: c.1297C>T on transcript NM_001077350.3 (MANE Select); coding-DNA position 1297, C replaced by T.
Protein change: p.Arg433Trp; replaces arginine 433 with tryptophan.
Molecular consequence: missense variant.
Genome position (GRCh38, 1-based): chr16:89,767, G>A on the plus strand (C>T on the coding strand, the complement: NPRL3 is on the minus strand). VCF-style: chr16-89767-G-A. GRCh37 (hg19) VCF-style: chr16-139765-G-A.
Other names: c.760C>T, p.Arg254Trp (NM_001039476.3); c.1063C>T, p.Arg355Trp (NM_001243247.2); c.1222C>T, p.Arg408Trp (NM_001243248.2, NM_001243249.2); short protein forms R254W, R355W, R408W, R433W.
Identifiers: ClinVar variation 1022748 (VCV001022748.10), dbSNP rs372094629, ClinGen allele CA7769383.